The following is an entry in ClinVar:

NM_001184.4(ATR):c.2261C>T (p.Ser754Leu)

Gene: ATR (ATR checkpoint kinase; minus strand). Cytogenetic location: 3q23.
Variant type: single nucleotide variant.
Coding change: c.2261C>T on transcript NM_001184.4 (MANE Select); coding-DNA position 2261, C replaced by T.
Protein change: p.Ser754Leu; replaces serine 754 with leucine.
Molecular consequence: missense variant.
Genome position (GRCh38, 1-based): chr3:142,555,957, G>A on the plus strand (C>T on the coding strand, the complement: ATR is on the minus strand). VCF-style: chr3-142555957-G-A. GRCh37 (hg19) VCF-style: chr3-142274799-G-A.
Other names: c.2069C>T, p.Ser690Leu (NM_001354579.2); short protein forms S690L, S754L.
Identifiers: ClinVar variation 1002078 (VCV001002078.8), dbSNP rs749078940, ClinGen allele CA2650400.

ClinVar aggregate classification (germline): Uncertain significance. Review status: criteria provided, multiple submitters, no conflicts (2 of 4 stars). 4 submissions from 3 submitters: Uncertain significance (4). Last evaluated 2025-08-14.

Conditions:
Inborn genetic diseases. Identifiers: MedGen C0950123, MeSH D030342.
Familial cutaneous telangiectasia and oropharyngeal predisposition cancer syndrome. Identifiers: Orphanet 313846, MedGen C3281203, MONDO:0013806, OMIM 614564.
Seckel syndrome 1 (SCKL1). Also called: MICROCEPHALIC PRIMORDIAL DWARFISM I. Identifiers: Orphanet 808, MedGen C4551474, MONDO:0008869, OMIM 210600.

Allele frequency attached by ClinVar (database versions not stated): gnomAD below 0.00001 and 0.00001; TOPMed below 0.00001; gnomAD exomes 0.00004 and 0.00006; ExAC 0.00006.
gnomAD v4.1: 52 of 1,613,478 alleles (0.0032%); highest among the groups gnomAD compares: South Asian, 0.057%; 2 homozygotes.

Submissions (4):

Labcorp Genetics (formerly Invitae), Labcorp
Classification: Uncertain significance. Last evaluated: 2025-08-14. Review status: criteria provided, single submitter. Criteria: Invitae Variant Classification Sherloc (09022015). Collection method: clinical testing. Allele origin: germline.
Comment: This sequence change replaces serine, which is neutral and polar, with leucine, which is neutral and non-polar, at codon 754 of the ATR protein (p.Ser754Leu). This variant is present in population databases (rs749078940, gnomAD 0.04%). This variant has not been reported in the literature in individuals affected with ATR-related conditions. ClinVar contains an entry for this variant (Variation ID: 1002078). An algorithm developed to predict the effect of missense changes on protein structure and function outputs the following: PolyPhen-2: "Benign". The leucine amino acid residue is found in multiple mammalian species, which suggests that this missense change does not adversely affect protein function. In summary, the available evidence is currently insufficient to determine the role of this variant in disease. Therefore, it has been classified as a Variant of Uncertain Significance.

Genome-Nilou Lab
Classification: Uncertain significance for Seckel syndrome 1. Last evaluated: 2023-02-08. Review status: criteria provided, single submitter. Criteria: ACMG Guidelines, 2015. Collection method: clinical testing. Allele origin: germline.

Genome-Nilou Lab
Classification: Uncertain significance for Familial cutaneous telangiectasia and oropharyngeal predisposition cancer syndrome. Last evaluated: 2023-02-08. Review status: criteria provided, single submitter. Criteria: ACMG Guidelines, 2015. Collection method: clinical testing. Allele origin: germline.

Ambry Genetics
Classification: Uncertain significance for Inborn genetic diseases. Last evaluated: 2021-09-06. Review status: criteria provided, single submitter. Criteria: Ambry Variant Classification Scheme 2023. Collection method: clinical testing. Allele origin: germline.
Comment: The p.S754L variant (also known as c.2261C>T), located in coding exon 10 of the ATR gene, results from a C to T substitution at nucleotide position 2261. The serine at codon 754 is replaced by leucine, an amino acid with dissimilar properties. This amino acid position is conserved. In addition, this alteration is predicted to be tolerated by in silico analysis. Since supporting evidence is limited at this time, the clinical significance of this alteration remains unclear.